The following is an entry in ClinVar:

NM_139058.3(ARX):c.1444G>A (p.Gly482Ser)

Gene: ARX (aristaless related homeobox; minus strand). Cytogenetic location: Xp21.3.
Variant type: single nucleotide variant.
Coding change: c.1444G>A on transcript NM_139058.3 (MANE Select); coding-DNA position 1444, G replaced by A.
Protein change: p.Gly482Ser; replaces glycine 482 with serine.
Molecular consequence: missense variant.
Genome position (GRCh38, 1-based): chrX:25,007,115, C>T on the plus strand (G>A on the coding strand, the complement: ARX is on the minus strand). VCF-style: chrX-25007115-C-T. GRCh37 (hg19) VCF-style: chrX-25025232-C-T.
Other names: short protein forms G482S.
Identifiers: ClinVar variation 812667 (VCV000812667.6), dbSNP rs1468724042, ClinGen allele CA412611003.
Genomic context (GRCh38, chrX:25,007,115, plus strand): 5'-GCCTCTGTGTGTATGAGAGACAGACAGACAGACAGACTTCCGAGGCTGCGCGTTACCTGC[C>T]GAATGCCGGGCTGATGAAAGCTGGGTGTCGGAACACTGCCGCTCCGAGGAAAGTGCTCAG-3'
Protein context (NP_620689.1, residues 472-492): RHPAFISPAF[Gly482Ser]RLFSTMAPLT

ClinVar aggregate classification (germline): Conflicting classifications of pathogenicity. Review status: criteria provided, conflicting classifications (1 of 4 stars). 2 submissions from 2 submitters: Likely pathogenic (1); Uncertain significance (1). Last evaluated 2026-03-13.

Conditions:
Developmental and epileptic encephalopathy, 1 (DEE1). Also called: X-linked infantile spasms; West's syndrome; Tonic spasms with clustering, arrest of psychomotor development and hypsarrhythmia on EEG; X-Linked Infantile Spasm Syndrome; OHTAHARA SYNDROME, X-LINKED; Epileptic encephalopathy, early infantile, 1. Identifiers: MedGen C3463992, MONDO:0010632, OMIM 308350. Disease mechanism: loss of function.

Allele frequency attached by ClinVar (database versions not stated): gnomAD exomes below 0.00001 and 0.00001.

Submissions (2):

Women's Health and Genetics/Laboratory Corporation of America, LabCorp
Classification: Uncertain significance. Last evaluated: 2026-03-13. Review status: criteria provided, single submitter. Criteria: LabCorp Variant Classification Summary - May 2015. Collection method: clinical testing. Allele origin: germline.
Comment: Variant summary: ARX c.1444G>A (p.Gly482Ser) results in a non-conservative amino acid change in the encoded protein sequence. Algorithms developed to predict the effect of missense changes on protein structure and function all suggest that this variant is likely to be disruptive. The variant allele was found at a frequency of 7e-06 in 142984 control chromosomes. The available data on variant occurrences in the general population are insufficient to allow any conclusion about variant significance. These report(s) do not provide unequivocal conclusions about association of the variant with Developmental and epileptic encephalopathy. To our knowledge, no experimental evidence demonstrating an impact on protein function has been reported. The following publications have been ascertained in the context of this evaluation (PMID: 39272213, 32371413). ClinVar contains an entry for this variant (Variation ID: 812667). Based on the evidence outlined above, the variant was classified as uncertain significance.

Institute for Genomic Medicine (IGM) Clinical Laboratory, Nationwide Children's Hospital
Classification: Likely pathogenic for Developmental and epileptic encephalopathy, 1. Last evaluated: 2017-11-09. Review status: criteria provided, single submitter. Criteria: ACMG Guidelines, 2015. Collection method: clinical testing. Allele origin: de novo. Affected: yes.
Comment: [ACMG/AMP: PS2, PM2, PP2, PP3]; A de novo mosaic variant [PS2] within the ARX gene was detected and confirmed by sanger sequencing. This alteration results in the replacement of a glycine residue with a serine at amino acid 482 (p.Gly482Ser), and occurs at a position which is evolutionarily conserved and predicated to have a deleterious effect based on in silico modeling [PP3]. Notably, a single hemizygous allele with the p.Gly482Ser variant has been reported in the gnomAD population database among approximately 140,000 total alleles at that position [PM2]. The spectrum of disease associated variation within ARX is broad, and includes polyalanine expansion, truncating alterations, insertion deletion events and missense changes (PMID: 17668384; 20300201). Missense variants are a common mechanism of disease in this gene and the rate of benign missense variants is low [PP2]. Mosaicism has been previously documented in ARX (PMID: 16523516).

Literature cited by the submitters: PubMed 32371413 (cited by Women's Health and Genetics/Laboratory Corporation of America, LabCorp); PubMed 39272213 (cited by Women's Health and Genetics/Laboratory Corporation of America, LabCorp); PubMed 17668384 (cited by Institute for Genomic Medicine (IGM) Clinical Laboratory, Nationwide Children's Hospital); PubMed 20300201 (cited by Institute for Genomic Medicine (IGM) Clinical Laboratory, Nationwide Children's Hospital); PubMed 16523516 (cited by Institute for Genomic Medicine (IGM) Clinical Laboratory, Nationwide Children's Hospital).